The following is an entry in ClinVar:

ClinVar aggregate classification (germline): Likely pathogenic. Review status: criteria provided, multiple submitters, no conflicts (2 of 4 stars). 2 submissions from 2 submitters: Likely pathogenic (2). Last evaluated 2023-12-18.

Conditions:
Rhabdoid tumor predisposition syndrome 2 (RTPS2). Identifiers: Orphanet 231108, Orphanet 69077, MedGen C2750074, MONDO:0013224, OMIM 613325.
Intellectual disability, autosomal dominant 16 (CSS4). Also called: COFFIN-SIRIS SYNDROME 4. Identifiers: Orphanet 1465, MedGen C3553249, MONDO:0013821, OMIM 614609.

Submissions (2):

Labcorp Genetics (formerly Invitae), Labcorp
Classification: Likely pathogenic for Rhabdoid tumor predisposition syndrome 2. Last evaluated: 2023-12-18. Review status: criteria provided, single submitter. Criteria: Invitae Variant Classification Sherloc (09022015). Collection method: clinical testing. Allele origin: germline.
Comment: This sequence change replaces arginine, which is basic and polar, with tryptophan, which is neutral and slightly polar, at codon 1157 of the SMARCA4 protein (p.Arg1157Trp). This variant is not present in population databases (gnomAD no frequency). This variant has not been reported in the literature in individuals affected with SMARCA4-related conditions. Advanced modeling of protein sequence and biophysical properties (such as structural, functional, and spatial information, amino acid conservation, physicochemical variation, residue mobility, and thermodynamic stability) performed at Invitae indicates that this missense variant is expected to disrupt SMARCA4 protein function with a positive predictive value of 95%. This variant disrupts the p.Arg1157 amino acid residue in SMARCA4. Other variant(s) that disrupt this residue have been determined to be pathogenic (PMID: 22426308; Invitae). This suggests that this residue is clinically significant, and that variants that disrupt this residue are likely to be disease-causing. In summary, the currently available evidence indicates that the variant is pathogenic, but additional data are needed to prove that conclusively. Therefore, this variant has been classified as Likely Pathogenic.

New York Genome Center
Classification: Likely pathogenic for Intellectual disability, autosomal dominant 16. Last evaluated: 2023-09-01. Review status: criteria provided, single submitter. Criteria: NYGC Assertion Criteria 2020. Collection method: clinical testing. Allele origin: de novo. Observed: 1 variant allele, 1 heterozygote.
Comment: The de novo c.3469C>T, p.(Arg1157Trp) variant identified in the SMARCA4 gene leads to the substitution of a well conserved arginine for tryptophan at amino acid 1157/1648 (exon 25/35). This variant is absent from population databases (gnomADv2.1.1, gnomADv3.1.2, BRAVO-TOPMed, All of Us) suggesting it is not a common benign variant in the populations represented in those databases. In silico algorithms predict this variant to have a damaging effect to protein function (REVEL; score=0.76). This variant is absent from ClinVar, however a different amino acid at the same position is reported there as Pathogenic (p.(Arg1157Gly)); VarID:30347). While the p.Arg1157Trp variant identified here has not been previously reported in patients with Coffin-siris syndrome, functional studies do demonstrate the p.Arg1157Trp variant leads to increased H4R3me2a binding capacity, increased binding to other SWI/SNF complex components, enrichment at downstream promoter elements and increased growth in a yeast growth assay [PMID:36922568]. A different amino acid change at the same amino acid, p.(Arg1157Gly) has been identified in an individual with a clinical diagnosis of Coffin-Siris syndrome and phenotypes including severe developmental delay and intellectual disability, omphalocele, characteristic facial features and digit anomalies, and congenital heart defects [PMID:23637025]. Given its absence in population databases, functional studies demonstrating altered function, and the presence of a likely pathogenic variant at the same amino acid position, the de novo c.3469C>T, p.(Arg1157Trp) variant identified in the SMARCA4 gene is reported as Likely Pathogenic.

Literature cited by the submitters: PubMed 22426308 (cited by Labcorp Genetics (formerly Invitae), Labcorp).

NM_003072.5(SMARCA4):c.3469C>T (p.Arg1157Trp)

Gene: SMARCA4 (SWI/SNF related BAF chromatin remodeling complex subunit ATPase 4; plus strand). Cytogenetic location: 19p13.2.
Variant type: single nucleotide variant.
Coding change: c.3469C>T on transcript NM_003072.5 (MANE Select); coding-DNA position 3469, C replaced by T.
Protein change: p.Arg1157Trp; replaces arginine 1157 with tryptophan.
Molecular consequence: missense variant. On other transcripts: non-coding transcript variant (1).
Genome position (GRCh38, 1-based): chr19:11,030,816, C>T. VCF-style: chr19-11030816-C-T. GRCh37 (hg19) VCF-style: chr19-11141492-C-T.
Other names: c.3469C>T, p.Arg1157Trp (NM_001128845.2, NM_001128846.2, NM_001128847.4 and 6 more transcripts); short protein forms R1157W.
Identifiers: ClinVar variation 2703875 (VCV002703875.4), dbSNP rs281875230, ClinGen allele CA404063022.
Genomic context (GRCh38, chr19:11,030,816, plus strand): 5'-ATGCTGCTGAAAACCTTCAACGAGCCCGGCTCTGAGTACTTCATCTTCCTGCTCAGCACC[C>T]GGGCTGGGGGGCTCGGCCTGAACCTCCAGTCGGCAGACACTGTGATCATTTTTGACAGCG-3'
Protein context (NP_003063.2, residues 1147-1167): SEYFIFLLST[Arg1157Trp]AGGLGLNLQS